The following is an entry in ClinVar:

NM_181882.3(PRX):c.2744A>T (p.Glu915Val)

Gene: PRX (periaxin; minus strand). Cytogenetic location: 19q13.2.
Variant type: single nucleotide variant.
Coding change: c.2744A>T on transcript NM_181882.3 (MANE Select); coding-DNA position 2744, A replaced by T.
Protein change: p.Glu915Val; replaces glutamic acid 915 with valine.
Molecular consequence: missense variant. On other transcripts: 3 prime UTR variant (1).
Genome position (GRCh38, 1-based): chr19:40,395,608, T>A on the plus strand (A>T on the coding strand, the complement: PRX is on the minus strand). VCF-style: chr19-40395608-T-A. GRCh37 (hg19) VCF-style: chr19-40901515-T-A.
Other names: c.*2949A>T (NM_020956.2); short protein forms E915V.
Identifiers: ClinVar variation 637849 (VCV000637849.4), dbSNP rs899773763, ClinGen allele CA308417856.

ClinVar aggregate classification (germline): Uncertain significance. Review status: criteria provided, single submitter (1 of 4 stars). 2 submissions from 2 submitters: Uncertain significance (1). 1 of the submissions does not count toward it. Last evaluated 2025-04-11.

Conditions:
Charcot-Marie-Tooth disease. Also called: Charcot-Marie-Tooth Hereditary Neuropathy; Charcot-Marie-Tooth Neuropathy. Identifiers: Orphanet 166, MedGen C0007959, MONDO:0015626.
Charcot-Marie-Tooth disease type 4. Also called: Charcot-Marie-Tooth disease, type IV; Charcot-Marie-Tooth, Type 4. Identifiers: Orphanet 64749, MedGen C4082197, MONDO:0018995.

Allele frequency attached by ClinVar (database versions not stated): gnomAD exomes below 0.00001.
gnomAD v4.1: 4 of 1,614,164 alleles (0.00025%); highest among the groups gnomAD compares: Non-Finnish European, 0.00034%; no homozygotes.

Submissions (2):

Labcorp Genetics (formerly Invitae), Labcorp
Classification: Uncertain significance for Charcot-Marie-Tooth disease type 4. Last evaluated: 2025-04-11. Review status: criteria provided, single submitter. Criteria: Invitae Variant Classification Sherloc (09022015). Collection method: clinical testing. Allele origin: germline.
Comment: This sequence change replaces glutamic acid, which is acidic and polar, with valine, which is neutral and non-polar, at codon 915 of the PRX protein (p.Glu915Val). This variant is not present in population databases (gnomAD no frequency). This variant has not been reported in the literature in individuals affected with PRX-related conditions. ClinVar contains an entry for this variant (Variation ID: 637849). Invitae Evidence Modeling of protein sequence and biophysical properties (such as structural, functional, and spatial information, amino acid conservation, physicochemical variation, residue mobility, and thermodynamic stability) indicates that this missense variant is not expected to disrupt PRX protein function with a negative predictive value of 80%. In summary, the available evidence is currently insufficient to determine the role of this variant in disease. Therefore, it has been classified as a Variant of Uncertain Significance.

Inherited Neuropathy Consortium
Classification: Uncertain significance for Charcot-Marie-Tooth disease. Review status: no assertion criteria provided. Collection method: literature only. Allele origin: germline. Affected: yes. Not counted in ClinVar's aggregate classification.

Literature cited by the submitters: PubMed 25164601 (cited by Inherited Neuropathy Consortium).